The following is an entry in ClinVar:

NM_007294.4(BRCA1):c.2980T>G (p.Cys994Gly)

Gene: BRCA1 (BRCA1 DNA repair associated; minus strand). Cytogenetic location: 17q21.31.
Variant type: single nucleotide variant.
Coding change: c.2980T>G on transcript NM_007294.4 (MANE Select); coding-DNA position 2980, T replaced by G.
Protein change: p.Cys994Gly; replaces cysteine 994 with glycine.
Molecular consequence: missense variant. On other transcripts: intron variant (137).
Genome position (GRCh38, 1-based): chr17:43,092,551, A>C on the plus strand (T>G on the coding strand, the complement: BRCA1 is on the minus strand). VCF-style: chr17-43092551-A-C. GRCh37 (hg19) VCF-style: chr17-41244568-A-C.
Other names: c.788-1519T>G (NM_001407973.1, NM_001407980.1, NM_001407993.1 and 17 more transcripts); c.404-1519T>G (NM_001408511.1); c.647-1519T>G (NM_001408457.1, NM_001408460.1, NM_001408454.1 and 11 more transcripts); c.521-1519T>G (NM_001408505.1, NM_001408503.1, NM_001408504.1); c.461-1519T>G (NM_001408507.1, NM_001408506.1); c.545-1519T>G (NM_001408495.1); c.662-1519T>G (NM_001408448.1, NM_001408446.1, NM_001408435.1 and 6 more transcripts); c.668-1519T>G (NM_001408421.1, NM_001408431.1, NM_001408424.1); and 41 more; short protein forms C867G, C905G, C923G, C967G, C993G, C826G, C866G, C924G.
Identifiers: ClinVar variation 2729595 (VCV002729595.3), dbSNP rs144853230, ClinGen allele CA10596039.

ClinVar aggregate classification (germline): Uncertain significance (1 of 4 stars; one submission).

Conditions:
Hereditary breast ovarian cancer syndrome. Also called: Hereditary breast and ovarian cancer syndrome (HBOC); Hereditary breast and/or ovarian cancer syndrome; Hereditary breast and ovarian cancer; Hereditary breast and ovarian cancer syndrome; Breast and ovarian cancer; BRCA1- and BRCA2-Associated Hereditary Breast and Ovarian Cancer. Identifiers: Orphanet 145, MedGen C0677776, MeSH D061325, MONDO:0003582. Disease mechanism: loss of function.

Submission:

Labcorp Genetics (formerly Invitae), Labcorp
Classification: Uncertain significance for Hereditary breast ovarian cancer syndrome. Last evaluated: 2023-06-27. Review status: criteria provided, single submitter. Criteria: Invitae Variant Classification Sherloc (09022015). Collection method: clinical testing. Allele origin: germline.
Comment: This sequence change replaces cysteine, which is neutral and slightly polar, with glycine, which is neutral and non-polar, at codon 994 of the BRCA1 protein (p.Cys994Gly). This variant is not present in population databases (gnomAD no frequency). This variant has not been reported in the literature in individuals affected with BRCA1-related conditions. Advanced modeling of protein sequence and biophysical properties (such as structural, functional, and spatial information, amino acid conservation, physicochemical variation, residue mobility, and thermodynamic stability) performed at Invitae indicates that this missense variant is not expected to disrupt BRCA1 protein function. Algorithms developed to predict the effect of sequence changes on RNA splicing suggest that this variant may create or strengthen a splice site. In summary, the available evidence is currently insufficient to determine the role of this variant in disease. Therefore, it has been classified as a Variant of Uncertain Significance.